The following is an entry in ClinVar:

NM_033360.4(KRAS):c.451-224T>A

Gene: KRAS (KRAS proto-oncogene, GTPase; minus strand). Cytogenetic location: 12p12.1.
Variant type: single nucleotide variant.
Coding change: c.451-224T>A on transcript NM_033360.4 (MANE Plus Clinical); 224 bases into the intron before coding-DNA position 451, T replaced by A.
Molecular consequence: intron variant.
Genome position (GRCh38, 1-based): chr12:25,215,784, A>T on the plus strand (T>A on the coding strand, the complement: KRAS is on the minus strand). VCF-style: chr12-25215784-A-T. GRCh37 (hg19) VCF-style: chr12-25368718-A-T.
Other names: c.451-224T>A (LRG_344t2, NM_001369786.1); c.451-5873T>A (LRG_344t1, NM_001369787.1, NM_004985.5).
Identifiers: ClinVar variation 561660 (VCV000561660.1), dbSNP rs145862422, ClinGen allele CA234211827.

ClinVar aggregate classification (germline): Likely benign (1 of 4 stars; one submission).

Allele frequency attached by ClinVar (database versions not stated): gnomAD 0.00431 and 0.00456; TOPMed 0.00488; 1000 Genomes Project 30x 0.00578; 1000 Genomes Project 0.00579.
gnomAD v4.1: 646 of 152,298 alleles (0.42%); highest among the groups gnomAD compares: African/African-American, 1.5%; 7 homozygotes.

Submission:

GeneDx
Classification: Likely benign. Last evaluated: 2018-06-16. Review status: criteria provided, single submitter. Criteria: GeneDx Variant Classification (06012015). Collection method: clinical testing. Allele origin: germline. Affected: yes.
Comment: This variant is considered likely benign or benign based on one or more of the following criteria: it is a conservative change, it occurs at a poorly conserved position in the protein, it is predicted to be benign by multiple in silico algorithms, and/or has population frequency not consistent with disease.